The following is an entry in ClinVar:

ClinVar aggregate classification (germline): Uncertain significance (1 of 4 stars; one submission).

Conditions:
Hereditary cancer-predisposing syndrome. Also called: Hereditary Cancer Syndrome; Neoplastic Syndromes, Hereditary; Tumor predisposition; Hereditary neoplastic syndrome. Identifiers: Orphanet 140162, MedGen C0027672, MeSH D009386, MONDO:0015356.

gnomAD v4.1: 1 of 1,613,682 alleles (0.000062%); highest among the groups gnomAD compares: Non-Finnish European, 0.000085%; no homozygotes.

Submission:

Ambry Genetics
Classification: Uncertain significance for Hereditary cancer-predisposing syndrome. Last evaluated: 2026-06-30. Review status: criteria provided, single submitter. Criteria: Ambry Variant Classification Scheme 2023. Collection method: clinical testing. Allele origin: germline.
Comment: The p.D516Y variant (also known as c.1546G>T), located in coding exon 7 of the ALK gene, results from a G to T substitution at nucleotide position 1546. The amino acid change results in aspartic acid to tyrosine at codon 516, an amino acid with highly dissimilar properties. However, this change occurs in the last base pair of coding exon 7, which makes it likely to have some effect on normal mRNA splicing. This nucleotide position is highly conserved in available vertebrate species. This amino acid position is poorly conserved in available vertebrate species. In silico splice site analysis predicts that this alteration will weaken the native splice donor site and will result in the creation or strengthening of a novel splice donor site. In addition, as a missense substitution this is predicted to be tolerated by in silico analysis. However, loss of function has not been established as a mechanism of disease. Based on the available evidence, the clinical significance of this variant remains unclear.

NM_004304.5(ALK):c.1546G>T (p.Asp516Tyr)

Gene: ALK (ALK receptor tyrosine kinase; minus strand). Cytogenetic location: 2p23.2.
Variant type: single nucleotide variant.
Coding change: c.1546G>T on transcript NM_004304.5 (MANE Select); coding-DNA position 1546, G replaced by T.
Protein change: p.Asp516Tyr; replaces aspartic acid 516 with tyrosine.
Molecular consequence: missense variant.
Genome position (GRCh38, 1-based): chr2:29,320,751, C>A on the plus strand (G>T on the coding strand, the complement: ALK is on the minus strand). VCF-style: chr2-29320751-C-A. GRCh37 (hg19) VCF-style: chr2-29543617-C-A.
Other names: short protein forms D516Y.
Identifiers: ClinVar variation 5035096 (VCV005035096.1).
Genomic context (GRCh38, chr2:29,320,751, plus strand): 5'-CCATCTGTCTATGTGGGCATGAAGATGGGCACCAGAGAGAAGGCAGGAGAGCAGTAGTAC[C>A]TTGGTGGTCCTGGAACCGGGCATCCTTTAGGGTCCTGACCTGCCATTGAGGAGTGTGGGG-3'
Protein context (NP_004295.2, residues 506-526): LKDARFQDHQ[Asp516Tyr]HALLLSTTDV